The following is an entry in ClinVar:

NM_000553.6(WRN):c.1048A>G (p.Thr350Ala)

Gene: WRN (WRN RecQ like helicase; plus strand). Cytogenetic location: 8p12.
Variant type: single nucleotide variant.
Coding change: c.1048A>G on transcript NM_000553.6 (MANE Select); coding-DNA position 1048, A replaced by G.
Protein change: p.Thr350Ala; replaces threonine 350 with alanine.
Molecular consequence: missense variant.
Genome position (GRCh38, 1-based): chr8:31,081,075, A>G. VCF-style: chr8-31081075-A-G. GRCh37 (hg19) VCF-style: chr8-30938591-A-G.
Other names: short protein forms T350A.
Identifiers: ClinVar variation 1401300 (VCV001401300.8), dbSNP rs1209215928, ClinGen allele CA370920427.

ClinVar aggregate classification (germline): Uncertain significance (1 of 4 stars; one submission).

Conditions:
Werner syndrome (WRN). Identifiers: Orphanet 902, MedGen C0043119, MONDO:0010196, OMIM 277700.

Allele frequency attached by ClinVar (database versions not stated): gnomAD exomes below 0.00001.
gnomAD v4.1: 1 of 1,614,100 alleles (0.000062%); no homozygotes.

Submission:

Labcorp Genetics (formerly Invitae), Labcorp
Classification: Uncertain significance for Werner syndrome. Last evaluated: 2022-10-13. Review status: criteria provided, single submitter. Criteria: Invitae Variant Classification Sherloc (09022015). Collection method: clinical testing. Allele origin: germline.
Comment: In summary, the available evidence is currently insufficient to determine the role of this variant in disease. Therefore, it has been classified as a Variant of Uncertain Significance. Algorithms developed to predict the effect of missense changes on protein structure and function output the following: SIFT: "Not Available"; PolyPhen-2: "Benign"; Align-GVGD: "Not Available". The alanine amino acid residue is found in multiple mammalian species, which suggests that this missense change does not adversely affect protein function. ClinVar contains an entry for this variant (Variation ID: 1401300). This variant has not been reported in the literature in individuals affected with WRN-related conditions. This variant is present in population databases (no rsID available, gnomAD 0.003%). This sequence change replaces threonine, which is neutral and polar, with alanine, which is neutral and non-polar, at codon 350 of the WRN protein (p.Thr350Ala).